The following is an entry in ClinVar:

NM_017637.6(BNC2):c.2108C>T (p.Thr703Ile)

Genes: BNC2 (basonuclin zinc finger protein 2; minus strand), LOC126860585 (MED14-independent group 3 enhancer GRCh37_chr9:16435259-16436458; plus strand). Cytogenetic location: 9p22.3.
Variant type: single nucleotide variant.
Coding change: c.2108C>T on transcript NM_017637.6 (MANE Select); coding-DNA position 2108, C replaced by T.
Protein change: p.Thr703Ile; replaces threonine 703 with isoleucine.
Molecular consequence: missense variant.
Genome position (GRCh38, 1-based): chr9:16,436,086, G>A on the plus strand (C>T on the coding strand, the complement: BNC2 is on the minus strand). VCF-style: chr9-16436086-G-A. GRCh37 (hg19) VCF-style: chr9-16436084-G-A.
Other names: c.1982C>T, p.Thr661Ile (NM_001317939.2); c.1823C>T, p.Thr608Ile (NM_001317940.2); short protein forms T608I, T661I, T703I.
Identifiers: ClinVar variation 2238088 (VCV002238088.3), dbSNP rs2547712584, ClinGen allele CA372991450.

ClinVar aggregate classification (germline): Uncertain significance. Review status: criteria provided, multiple submitters, no conflicts (2 of 4 stars). 2 submissions from 2 submitters: Uncertain significance (2). Last evaluated 2025-10-14.

Conditions:
Inborn genetic diseases. Identifiers: MedGen C0950123, MeSH D030342.

Allele frequency attached by ClinVar (database versions not stated): gnomAD exomes below 0.00001.
gnomAD v4.1: 1 of 1,614,080 alleles (0.000062%); highest among the groups gnomAD compares: East Asian, 0.0022%; no homozygotes.

Submissions (2):

Labcorp Genetics (formerly Invitae), Labcorp
Classification: Uncertain significance. Last evaluated: 2025-10-14. Review status: criteria provided, single submitter. Criteria: Invitae Variant Classification Sherloc (09022015). Collection method: clinical testing. Allele origin: germline.
Comment: This sequence change replaces threonine, which is neutral and polar, with isoleucine, which is neutral and non-polar, at codon 703 of the BNC2 protein (p.Thr703Ile). This variant is not present in population databases (gnomAD no frequency). This variant has not been reported in the literature in individuals affected with BNC2-related conditions. ClinVar contains an entry for this variant (Variation ID: 2238088). An algorithm developed to predict the effect of missense changes on protein structure and function (PolyPhen-2) suggests that this variant is likely to be tolerated. In summary, the available evidence is currently insufficient to determine the role of this variant in disease. Therefore, it has been classified as a Variant of Uncertain Significance.

Ambry Genetics
Classification: Uncertain significance for Inborn genetic diseases. Last evaluated: 2021-07-16. Review status: criteria provided, single submitter. Criteria: Ambry Variant Classification Scheme 2023. Collection method: clinical testing. Allele origin: germline.